The following is an entry in ClinVar:

ClinVar aggregate classification (germline): Uncertain significance (1 of 4 stars; one submission).

Conditions:
Landau-Kleffner syndrome (FESD). Also called: EPILEPSY, FOCAL, WITH SPEECH DISORDER AND WITH OR WITHOUT MENTAL RETARDATION; APHASIA, ACQUIRED, WITH EPILEPSY. Identifiers: Orphanet 1945, Orphanet 725, Orphanet 98818, MedGen C0282512, MONDO:0009509, OMIM 245570.

Submission:

Labcorp Genetics (formerly Invitae), Labcorp
Classification: Uncertain significance for Landau-Kleffner syndrome. Last evaluated: 2022-06-20. Review status: criteria provided, single submitter. Criteria: Invitae Variant Classification Sherloc (09022015). Collection method: clinical testing. Allele origin: germline.
Comment: In summary, the available evidence is currently insufficient to determine the role of this variant in disease. Therefore, it has been classified as a Variant of Uncertain Significance. Advanced modeling of protein sequence and biophysical properties (such as structural, functional, and spatial information, amino acid conservation, physicochemical variation, residue mobility, and thermodynamic stability) performed at Invitae indicates that this missense variant is not expected to disrupt GRIN2A protein function. This variant has not been reported in the literature in individuals affected with GRIN2A-related conditions. This variant is not present in population databases (gnomAD no frequency). This sequence change replaces proline, which is neutral and non-polar, with arginine, which is basic and polar, at codon 1442 of the GRIN2A protein (p.Pro1442Arg).

NM_001134407.3(GRIN2A):c.4325C>G (p.Pro1442Arg)

Gene: GRIN2A (glutamate ionotropic receptor NMDA type subunit 2A; minus strand). Cytogenetic location: 16p13.2.
Variant type: single nucleotide variant.
Coding change: c.4325C>G on transcript NM_001134407.3 (MANE Select); coding-DNA position 4325, C replaced by G.
Protein change: p.Pro1442Arg; replaces proline 1442 with arginine.
Molecular consequence: missense variant. On other transcripts: 3 prime UTR variant (1).
Genome position (GRCh38, 1-based): chr16:9,763,219, G>C on the plus strand (C>G on the coding strand, the complement: GRIN2A is on the minus strand). VCF-style: chr16-9763219-G-C. GRCh37 (hg19) VCF-style: chr16-9857076-G-C.
Other names: c.4325C>G, p.Pro1442Arg (NM_000833.5); c.*136C>G (NM_001134408.2); short protein forms P1442R.
Identifiers: ClinVar variation 2008642 (VCV002008642.4), dbSNP rs2505960009, ClinGen allele CA394705169.
Genomic context (GRCh38, chr16:9,763,219, plus strand): 5'-GATTCGATACTAGGCATTTTCTTGTACACGCGTCTATTGCTGCAGGAATTTAAAACCCTG[G>C]GGGTAGAGTACATATTATTCTTATTTGCAGCATAAGGCATAACATGCTCCGAAATATACA-3'
Protein context (NP_001127879.1, residues 1432-1452): AANKNNMYST[Pro1442Arg]RVLNSCSNRR